The following is an entry in ClinVar:

ClinVar aggregate classification (germline): Uncertain significance (1 of 4 stars; one submission).

Conditions:
Cohen syndrome (COH1). Also called: Cutis verticis gyrata, retinitis pigmentosa, and sensorineural deafness; PEPPER SYNDROME. Identifiers: Orphanet 193, MedGen C0265223, MONDO:0008999, OMIM 216550.

Submission:

Labcorp Genetics (formerly Invitae), Labcorp
Classification: Uncertain significance for Cohen syndrome. Last evaluated: 2023-11-27. Review status: criteria provided, single submitter. Criteria: Invitae Variant Classification Sherloc (09022015). Collection method: clinical testing. Allele origin: germline.
Comment: This sequence change replaces proline, which is neutral and non-polar, with threonine, which is neutral and polar, at codon 3773 of the VPS13B protein (p.Pro3773Thr). This variant is not present in population databases (gnomAD no frequency). This variant has not been reported in the literature in individuals affected with VPS13B-related conditions. ClinVar contains an entry for this variant (Variation ID: 1500671). Advanced modeling of protein sequence and biophysical properties (such as structural, functional, and spatial information, amino acid conservation, physicochemical variation, residue mobility, and thermodynamic stability) performed at Invitae indicates that this missense variant is expected to disrupt VPS13B protein function with a positive predictive value of 80%. In summary, the available evidence is currently insufficient to determine the role of this variant in disease. Therefore, it has been classified as a Variant of Uncertain Significance.

NM_152564.5(VPS13B):c.11242C>A (p.Pro3748Thr)

Gene: VPS13B (vacuolar protein sorting 13 homolog B; plus strand). Cytogenetic location: 8q22.2.
Variant type: single nucleotide variant.
Coding change: c.11242C>A on transcript NM_152564.5 (MANE Select); coding-DNA position 11242, C replaced by A.
Protein change: p.Pro3748Thr; replaces proline 3748 with threonine.
Molecular consequence: missense variant.
Genome position (GRCh38, 1-based): chr8:99,868,315, C>A. VCF-style: chr8-99868315-C-A. GRCh37 (hg19) VCF-style: chr8-100880543-C-A.
Other names: c.11317C>A, p.Pro3773Thr (NM_017890.5); short protein forms P3748T, P3773T.
Identifiers: ClinVar variation 1500671 (VCV001500671.6), dbSNP rs2130962900, ClinGen allele CA371791793.